The following is an entry in ClinVar:

NM_016148.5(SHANK1):c.2297T>A (p.Val766Glu)

Gene: SHANK1 (SH3 and multiple ankyrin repeat domains 1; minus strand). Cytogenetic location: 19q13.33.
Variant type: single nucleotide variant.
Coding change: c.2297T>A on transcript NM_016148.5 (MANE Select); coding-DNA position 2297, T replaced by A.
Protein change: p.Val766Glu; replaces valine 766 with glutamic acid.
Molecular consequence: missense variant.
Genome position (GRCh38, 1-based): chr19:50,687,934, A>T on the plus strand (T>A on the coding strand, the complement: SHANK1 is on the minus strand). VCF-style: chr19-50687934-A-T. GRCh37 (hg19) VCF-style: chr19-51191191-A-T.
Other names: short protein forms V766E.
Identifiers: ClinVar variation 3365449 (VCV003365449.2).

ClinVar aggregate classification (germline): Uncertain significance (1 of 4 stars; one submission).

Submission:

GeneDx
Classification: Uncertain significance. Last evaluated: 2025-10-06. Review status: criteria provided, single submitter. Criteria: GeneDx Variant Classification Process June 2021. Collection method: clinical testing. Allele origin: germline.
Comment: Not observed at significant frequency in large population cohorts (gnomAD); In silico analysis supports that this missense variant has a deleterious effect on protein structure/function; Has not been previously published as pathogenic or benign to our knowledge